The following is an entry in ClinVar:

ClinVar aggregate classification (germline): Uncertain significance. Review status: criteria provided, single submitter (1 of 4 stars). 2 submissions from 2 submitters: Uncertain significance (1). 1 of the submissions does not count toward it. Last evaluated 2022-02-22.

Conditions:
Cholestanol storage disease (CTX). Also called: CEREBRAL CHOLESTERINOSIS; Cerebrotendinous Xanthomatosis; CTX: Cerebrotendinous xanthomatosis. Identifiers: Orphanet 909, MedGen C0238052, MONDO:0008948, OMIM 213700.

Allele frequency attached by ClinVar (database versions not stated): ExAC 0.00002; gnomAD exomes 0.00002; gnomAD 0.00003.
gnomAD v4.1: 20 of 1,614,158 alleles (0.0012%); highest among the groups gnomAD compares: Admixed American, 0.0067%; no homozygotes.

Submissions (2):

Labcorp Genetics (formerly Invitae), Labcorp
Classification: Uncertain significance for Cholestanol storage disease. Last evaluated: 2022-02-22. Review status: criteria provided, single submitter. Criteria: Invitae Variant Classification Sherloc (09022015). Collection method: clinical testing. Allele origin: germline.
Comment: This sequence change replaces arginine, which is basic and polar, with histidine, which is basic and polar, at codon 225 of the CYP27A1 protein (p.Arg225His). This variant is present in population databases (rs753275244, gnomAD 0.01%). This variant has not been reported in the literature in individuals affected with CYP27A1-related conditions. ClinVar contains an entry for this variant (Variation ID: 553363). Advanced modeling of protein sequence and biophysical properties (such as structural, functional, and spatial information, amino acid conservation, physicochemical variation, residue mobility, and thermodynamic stability) performed at Invitae indicates that this missense variant is expected to disrupt CYP27A1 protein function. In summary, the available evidence is currently insufficient to determine the role of this variant in disease. Therefore, it has been classified as a Variant of Uncertain Significance.

Counsyl
Classification: Uncertain significance for Cholestanol storage disease. Last evaluated: 2017-08-16. Review status: no assertion criteria provided. Collection method: clinical testing. Allele origin: unknown. Not counted in ClinVar's aggregate classification.

NM_000784.4(CYP27A1):c.674G>A (p.Arg225His)

Gene: CYP27A1 (cytochrome P450 family 27 subfamily A member 1; plus strand). Cytogenetic location: 2q35.
Variant type: single nucleotide variant.
Coding change: c.674G>A on transcript NM_000784.4 (MANE Select); coding-DNA position 674, G replaced by A.
Protein change: p.Arg225His; replaces arginine 225 with histidine.
Molecular consequence: missense variant.
Genome position (GRCh38, 1-based): chr2:218,812,579, G>A. VCF-style: chr2-218812579-G-A. GRCh37 (hg19) VCF-style: chr2-219677302-G-A.
Other names: short protein forms R225H.
Identifiers: ClinVar variation 553363 (VCV000553363.4), dbSNP rs753275244, ClinGen allele CA2112691.
Genomic context (GRCh38, chr2:218,812,579, plus strand): 5'-TGCCTCCTGTGATGGCCTCTGTGCACTACTCAGCTATTTGCTACATCCTGTTCGAGAAAC[G>A]CATTGGCTGCCTGCAGCGATCCATCCCCGAGGACACCGTGACCTTCGTCAGATCCATCGG-3'
Protein context (NP_000775.1, residues 215-235): EAICYILFEK[Arg225His]IGCLQRSIPE